The following is an entry in ClinVar:

NM_000465.4(BARD1):c.782dup (p.Ala262fs)

Gene: BARD1 (BRCA1 associated RING domain 1; minus strand). Cytogenetic location: 2q35.
Variant type: Duplication.
Coding change: c.782dup on transcript NM_000465.4 (MANE Select); coding-DNA position 782, one base duplicated (T; older notation c.782dupT).
Protein change: p.Ala262fs; shifts the reading frame from alanine 262.
Molecular consequence: frameshift variant. On other transcripts: non-coding transcript variant (2), intron variant (3).
Genome position (GRCh38, 1-based): chr2:214,781,092, A duplicated on the plus strand (T on the coding strand, the reverse complement: BARD1 is on the minus strand). VCF-style (leftmost placement, unchanged base first): chr2-214781091-T-TA. GRCh37 (hg19) VCF-style: chr2-215645815-T-TA.
Other names: c.725dup, p.Ala243fs (NM_001282543.2); c.158+28320dup (NM_001282548.2); c.215+15969dup (NM_001282545.2); c.364+11205dup (NM_001282549.2); short protein forms A243fs, A262fs.
Identifiers: ClinVar variation 2583711 (VCV002583711.2), dbSNP rs2469508359, ClinGen allele CA2582342087.

ClinVar aggregate classification (germline): Pathogenic (1 of 4 stars; one submission).

Conditions:
Familial cancer of breast. Also called: Hereditary breast cancer; BREAST CANCER, FAMILIAL; hereditary breast carcinoma. Identifiers: Orphanet 227535, MedGen C0346153, MONDO:0016419, OMIM 114480. Disease mechanism: loss of function.

Submission:

Myriad Genetics, Inc.
Classification: Pathogenic for Familial cancer of breast. Last evaluated: 2023-05-19. Review status: criteria provided, single submitter. Criteria: Myriad Autosomal Dominant, Autosomal Recessive and X-Linked Classification Criteria (2023). Collection method: clinical testing. Allele origin: unknown.
Comment: This variant is considered pathogenic. This variant creates a frameshift predicted to result in premature protein truncation.